The following is an entry in ClinVar:

NM_032119.4(ADGRV1):c.1711A>G (p.Lys571Glu)

Gene: ADGRV1 (adhesion G protein-coupled receptor V1; plus strand). Cytogenetic location: 5q14.3.
Variant type: single nucleotide variant.
Coding change: c.1711A>G on transcript NM_032119.4 (MANE Select); coding-DNA position 1711, A replaced by G.
Protein change: p.Lys571Glu; replaces lysine 571 with glutamic acid.
Molecular consequence: missense variant. On other transcripts: non-coding transcript variant (1).
Genome position (GRCh38, 1-based): chr5:90,629,411, A>G. VCF-style: chr5-90629411-A-G. GRCh37 (hg19) VCF-style: chr5-89925228-A-G.
Other names: short protein forms K571E.
Identifiers: ClinVar variation 46289 (VCV000046289.4), dbSNP rs397517425, ClinGen allele CA138065.
Genomic context (GRCh38, chr5:90,629,411, plus strand): 5'-GTGAGGTTGCTTTATTCTGTACTTTACATTCCTGCTGGAGCTGTGGACCCCTTGCAAGCA[A>G]AAGAAGGCATCTTAAATATATCAAGGAGAAATGACCTCATTTTTCCAGAGCAAAAAACTC-3'
Protein context (NP_115495.3, residues 561-581): PAGAVDPLQA[Lys571Glu]EGILNISRRN

ClinVar aggregate classification (germline): Uncertain significance (1 of 4 stars; one submission).

Submission:

Laboratory for Molecular Medicine, Mass General Brigham Personalized Medicine
Classification: Uncertain significance. Last evaluated: 2013-03-06. Review status: criteria provided, single submitter. Criteria: LMM Criteria. Collection method: clinical testing. Allele origin: germline. Observed: 1 variant allele.
Comment: The Lys571Glu variant in GPR98 has not been described in the literature nor prev iously reported by our laboratory. It has also not been identified in large Euro pean American and African American populations sequenced by the NHLBI Exome Sequ encing Project. Computational analyses (bioc hemical amino acid properties, conservation, AlignGVGD, PolyPhen2, and SIFT) do not provide strong support for or against an impact to the protein. In summary, additional information is needed to fully assess the clinical significance of th e Lys571Glu variant.